The following is an entry in ClinVar:

NM_001042492.3(NF1):c.3497-5A>G

Gene: NF1 (neurofibromin 1; plus strand). Cytogenetic location: 17q11.2.
Variant type: single nucleotide variant.
Coding change: c.3497-5A>G on transcript NM_001042492.3 (MANE Select); 5 bases into the intron before coding-DNA position 3497, A replaced by G.
Molecular consequence: intron variant.
Genome position (GRCh38, 1-based): chr17:31,232,997, A>G. VCF-style: chr17-31232997-A-G. GRCh37 (hg19) VCF-style: chr17-29560015-A-G.
Other names: c.3497-5A>G (NM_000267.4).
Identifiers: ClinVar variation 233434 (VCV000233434.11), dbSNP rs876660405, ClinGen allele CA10580285.

ClinVar aggregate classification (germline): Conflicting classifications of pathogenicity. Review status: criteria provided, conflicting classifications (1 of 4 stars). 3 submissions from 2 submitters: Uncertain significance (2); Likely benign (1). Last evaluated 2025-10-14.

Conditions:
Cardiovascular phenotype. Identifiers: MedGen CN230736.
Hereditary cancer-predisposing syndrome. Also called: Tumor predisposition; Hereditary Cancer Syndrome; Hereditary neoplastic syndrome; Neoplastic Syndromes, Hereditary. Identifiers: Orphanet 140162, MedGen C0027672, MeSH D009386, MONDO:0015356.
Neurofibromatosis, type 1 (NF1). Also called: VON RECKLINGHAUSEN DISEASE; NEUROFIBROMATOSIS, TYPE I, SOMATIC; Peripheral type neurofibromatosis; Neurofibromatosis, type I. Identifiers: Orphanet 636, MedGen C0027831, MONDO:0018975, OMIM 162200. Disease mechanism: loss of function.

Allele frequency attached by ClinVar (database versions not stated): gnomAD exomes below 0.00001.
gnomAD v4.1: 1 of 1,614,230 alleles (0.000062%); highest among the groups gnomAD compares: Non-Finnish European, 0.000085%; no homozygotes.

Submissions (3):

Labcorp Genetics (formerly Invitae), Labcorp
Classification: Likely benign for Neurofibromatosis, type 1. Last evaluated: 2025-10-14. Review status: criteria provided, single submitter. Criteria: Invitae Variant Classification Sherloc (09022015). Collection method: clinical testing. Allele origin: germline.

Ambry Genetics
Classification: Uncertain significance for Cardiovascular phenotype; Hereditary cancer-predisposing syndrome. Last evaluated: 2017-05-16. Review status: criteria provided, single submitter. Criteria: Ambry Variant Classification Scheme 2023. Collection method: clinical testing. Allele origin: germline.
Comment: The c.3497-5A>G intronic alteration consists of a A to G substitution 5 nucleotides before coding exon 27 in the NF1 gene. Based on insufficient or conflicting evidence, the clinical significance of this alteration remains unclear.

Ambry Genetics
Classification: Uncertain significance for Hereditary cancer-predisposing syndrome. Last evaluated: 2015-08-18. Review status: criteria provided, single submitter. Criteria: Ambry Autosomal Dominant and X-Linked criteria (10/2015). Collection method: clinical testing. Allele origin: germline. Observed: 1 variant allele.
Comment: The c.3497-5A>G intronic variant results from an A to G substitution 5 nucleotides upstream from coding exon 27 in the NF1 gene. This variant was not reported in population based cohorts in the following databases: Database of Single Nucleotide Polymorphisms (dbSNP), NHLBI Exome Sequencing Project (ESP), and 1000 Genomes Project. In the ESP, this variant was not observed in 6503 samples (13006 alleles) with coverage at this position. To date, this alteration has been detected with an allele frequency of approximately 0.002% (greater than 55000alleles tested) in our clinical cohort.This nucleotide position is not well conserved in available vertebrate species. Using the BDGP and ESEfinder splice site prediction tools, this alteration is not predicted to have any significant effect on this splice acceptorsite; however, direct evidence is unavailable.Since supporting evidence is limited at this time, the clinical significance of c.3497-5A>Gremains unclear.